The following is an entry in ClinVar:

NM_001113490.2(AMOT):c.1329C>T (p.Asp443=)

Gene: AMOT (angiomotin; minus strand). Cytogenetic location: Xq23.
Variant type: single nucleotide variant.
Coding change: c.1329C>T on transcript NM_001113490.2 (MANE Select); coding-DNA position 1329, C replaced by T.
Protein change: p.Asp443=; no amino-acid change (aspartic acid 443 retained).
Molecular consequence: synonymous variant.
Genome position (GRCh38, 1-based): chrX:112,815,421, G>A on the plus strand (C>T on the coding strand, the complement: AMOT is on the minus strand). VCF-style: chrX-112815421-G-A. GRCh37 (hg19) VCF-style: chrX-112058649-G-A.
Other names: c.1329C>T, p.Asp443= (NM_001386998.1, NM_001386999.1); c.102C>T, p.Asp34= (NM_133265.5).
Identifiers: ClinVar variation 2661226 (VCV002661226.24), dbSNP rs149397566, ClinGen allele CA10495149.

ClinVar aggregate classification (germline): Likely benign (1 of 4 stars; one submission).

Allele frequency attached by ClinVar (database versions not stated): gnomAD exomes 0.00014; ExAC 0.00023; 1000 Genomes Project 0.00026; gnomAD 0.00031; TOPMed 0.00039; 1000 Genomes Project 30x 0.00042; ESP Exome Variant Server 0.00076.
gnomAD v4.1: 195 of 1,210,004 alleles (0.016%); highest among the groups gnomAD compares: Middle Eastern, 0.11%; 1 homozygote.

Submission:

CeGaT Center for Human Genetics Tuebingen
Classification: Likely benign. Last evaluated: 2022-08-01. Review status: criteria provided, single submitter. Criteria: CeGaT Center For Human Genetics Tuebingen Variant Classification Criteria Version 2. Collection method: clinical testing. Allele origin: germline. Affected: yes. Observed: 1 variant allele.
Comment: AMOT: BP4, BP7